The following is an entry in ClinVar:

ClinVar aggregate classification (germline): Uncertain significance (1 of 4 stars; one submission).

Conditions:
Intellectual disability, autosomal recessive 53 (NEDHSCA). Also called: GLYCOSYLPHOSPHATIDYLINOSITOL BIOSYNTHESIS DEFECT 13; Mental retardation, autosomal recessive 53; NEURODEVELOPMENTAL DISORDER WITH OR WITHOUT HYPOTONIA, SEIZURES, AND CEREBELLAR ATROPHY. Identifiers: Orphanet 488635, MedGen C4310794, MONDO:0014832, OMIM 616917.

Allele frequency attached by ClinVar (database versions not stated): TOPMed below 0.00001; ExAC 0.00001.

Submission:

Labcorp Genetics (formerly Invitae), Labcorp
Classification: Uncertain significance for Intellectual disability, autosomal recessive 53. Last evaluated: 2021-10-22. Review status: criteria provided, single submitter. Criteria: Invitae Variant Classification Sherloc (09022015). Collection method: clinical testing. Allele origin: germline.
Comment: This variant has not been reported in the literature in individuals affected with PIGG-related conditions. In summary, the available evidence is currently insufficient to determine the role of this variant in disease. Therefore, it has been classified as a Variant of Uncertain Significance. Algorithms developed to predict the effect of missense changes on protein structure and function are either unavailable or do not agree on the potential impact of this missense change (SIFT: "Tolerated"; PolyPhen-2: "Possibly Damaging"; Align-GVGD: "Class C0"). This variant is present in population databases (rs750397454, ExAC 0.009%). This sequence change replaces glutamine with glutamic acid at codon 347 of the PIGG protein (p.Gln347Glu). The glutamine residue is highly conserved and there is a small physicochemical difference between glutamine and glutamic acid.

NM_001127178.3(PIGG):c.1039C>G (p.Gln347Glu)

Gene: PIGG (phosphatidylinositol glycan anchor biosynthesis class G (EMM blood group); plus strand). Cytogenetic location: 4p16.3.
Variant type: single nucleotide variant.
Coding change: c.1039C>G on transcript NM_001127178.3 (MANE Select); coding-DNA position 1039, C replaced by G.
Protein change: p.Gln347Glu; replaces glutamine 347 with glutamic acid.
Molecular consequence: missense variant. On other transcripts: 5 prime UTR variant (3), non-coding transcript variant (10).
Genome position (GRCh38, 1-based): chr4:516,110, C>G. VCF-style: chr4-516110-C-G. GRCh37 (hg19) VCF-style: chr4-509899-C-G.
Other names: c.772C>G, p.Gln258Glu (NM_001289051.2, NM_001289053.2, NM_001289057.2 and 2 more transcripts); c.640C>G, p.Gln214Glu (NM_001289052.2); c.673C>G, p.Gln225Glu (NM_001289055.2); c.10C>G, p.Gln4Glu (NM_001345988.2); c.1039C>G, p.Gln347Glu (NM_001345989.2, NM_017733.5); c.-587C>G (NM_001345990.2); c.-449C>G (NM_001345991.2); c.-174C>G (NM_001345994.2); short protein forms Q347E, Q4E, Q214E, Q225E, Q258E.
Identifiers: ClinVar variation 1431982 (VCV001431982.4), dbSNP rs750397454, ClinGen allele CA2793182.
Genomic context (GRCh38, chr4:516,110, plus strand): 5'-CCAAAAGACAGTGTAGGGAGCCTCCTATTCCCAGTTGTGGAAGGAAGACCAATGAGAGAG[C>G]AGTTGAGATTTTTACATTTGAATACAGTGCAGCTTAGTAAACTGTTGCAAGAGAATGTGC-3'
Protein context (NP_001120650.1, residues 337-357): PVVEGRPMRE[Gln347Glu]LRFLHLNTVQ